The following is an entry in ClinVar:

ClinVar aggregate classification (germline): Conflicting classifications of pathogenicity. Review status: criteria provided, conflicting classifications (1 of 4 stars). 6 submissions from 6 submitters: Uncertain significance (3); Benign (1); Likely benign (1). 1 of the submissions does not count toward it. Last evaluated 2025-12-28.

Conditions:
Cardiovascular phenotype. Identifiers: MedGen CN230736.
Dilated cardiomyopathy 1JJ (CMD1JJ). Identifiers: Orphanet 154, MedGen C3808935, MONDO:0014095, OMIM 615235.
Cardiomyopathy (CMYO). Also called: Cardiomyopathies. Identifiers: Orphanet 167848, MedGen C0878544, MONDO:0004994, HP:0001638. Inheritance: Various modes of inheritance.
LAMA4-related disorder. Also called: LAMA4-related condition.

Allele frequency attached by ClinVar (database versions not stated): ExAC 0.00003; gnomAD 0.00006; ESP Exome Variant Server 0.00008; TOPMed 0.00014.
gnomAD v4.1: 427 of 1,612,322 alleles (0.026%); highest among the groups gnomAD compares: Non-Finnish European, 0.035%; 1 homozygote.

Submissions (6):

Labcorp Genetics (formerly Invitae), Labcorp
Classification: Uncertain significance for Dilated cardiomyopathy 1JJ. Last evaluated: 2025-12-28. Review status: criteria provided, single submitter. Criteria: Invitae Variant Classification Sherloc (09022015). Collection method: clinical testing. Allele origin: germline.
Comment: This sequence change affects codon 1271 of the LAMA4 mRNA. It is a 'silent' change, meaning that it does not change the encoded amino acid sequence of the LAMA4 protein. This variant also falls at the last nucleotide of exon 28, which is part of the consensus splice site for this exon. This variant is present in population databases (rs141988342, gnomAD 0.01%). This variant has not been reported in the literature in individuals affected with LAMA4-related conditions. ClinVar contains an entry for this variant (Variation ID: 44379). Variants that disrupt the consensus splice site are a relatively common cause of aberrant splicing (PMID: 17576681, 9536098). Algorithms developed to predict the effect of sequence changes on RNA splicing suggest that this variant may disrupt the consensus splice site. In summary, the available evidence is currently insufficient to determine the role of this variant in disease. Therefore, it has been classified as a Variant of Uncertain Significance.

CHEO Genetics Diagnostic Laboratory, Children's Hospital of Eastern Ontario
Classification: Uncertain significance for Cardiomyopathy. Last evaluated: 2018-08-10. Review status: criteria provided, single submitter. Criteria: ACMG Guidelines, 2015. Collection method: clinical testing. Allele origin: germline.

Ambry Genetics
Classification: Likely benign for Cardiovascular phenotype. Last evaluated: 2017-06-19. Review status: criteria provided, single submitter. Criteria: Ambry Variant Classification Scheme 2023. Collection method: clinical testing. Allele origin: germline.

GeneDx
Classification: Benign. Last evaluated: 2015-08-24. Review status: criteria provided, single submitter. Criteria: GeneDx Variant Classification (06012015). Collection method: clinical testing. Allele origin: germline. Affected: yes.
Comment: This variant is considered likely benign or benign based on one or more of the following criteria: it is a conservative change, it occurs at a poorly conserved position in the protein, it is predicted to be benign by multiple in silico algorithms, and/or has population frequency not consistent with disease.

Laboratory for Molecular Medicine, Mass General Brigham Personalized Medicine
Classification: Uncertain significance. Last evaluated: 2012-04-03. Review status: criteria provided, single submitter. Criteria: LMM Criteria. Collection method: clinical testing. Allele origin: germline. Observed: 1 variant allele.
Comment: Variant classified as Uncertain Significance - Favor Benign. The Gly1271Gly vari ant in LAMA4 has been identified in 1/7020 European American chromosomes from a broad population by the NHLBI Exome Sequencing Project (.edu/EVS/; dbSNP rs141988342). This variant is located in the last base of the e xon, which is part of the 5? splice region. Computational tools do not predict a severe effect on splicing; however, this information is not predictive enough t o rule out pathogenicity. Additional information is needed to fully assess the c linical significance of this variant.

PreventionGenetics, part of Exact Sciences
Classification: Likely benign for LAMA4-related condition. Last evaluated: 2021-12-28. Review status: no assertion criteria provided. Collection method: clinical testing. Allele origin: germline. Not counted in ClinVar's aggregate classification.
Comment: This variant is classified as likely benign based on ACMG/AMP sequence variant interpretation guidelines (Richards et al. 2015 PMID: 25741868, with internal and published modifications).

Literature cited by the submitters: PubMed 17576681 (cited by Labcorp Genetics (formerly Invitae), Labcorp); PubMed 9536098 (cited by Labcorp Genetics (formerly Invitae), Labcorp).

NM_001105206.3(LAMA4):c.3834G>A (p.Gly1278=)

Gene: LAMA4 (laminin subunit alpha 4; minus strand). Cytogenetic location: 6q21.
Variant type: single nucleotide variant.
Coding change: c.3834G>A on transcript NM_001105206.3 (MANE Select); coding-DNA position 3834, G replaced by A.
Protein change: p.Gly1278=; no amino-acid change (glycine 1278 retained).
Molecular consequence: synonymous variant.
Genome position (GRCh38, 1-based): chr6:112,132,753, C>T on the plus strand (G>A on the coding strand, the complement: LAMA4 is on the minus strand). VCF-style: chr6-112132753-C-T. GRCh37 (hg19) VCF-style: chr6-112453955-C-T.
Other names: c.3813G>A, p.Gly1271= (NM_001105207.3, NM_002290.5).
Identifiers: ClinVar variation 44379 (VCV000044379.21), dbSNP rs141988342, ClinGen allele CA134038.
Genomic context (GRCh38, chr6:112,132,753, plus strand): 5'-TTTTTAATAGGCAAAACAATTATCACAAAGAAGTTTCCTCAGAGAAAAACAAACACTTAC[C>T]CCTGAAGCATAATAGAATAGTAACCCATTTGGTTGTAATGTTCGGAAATTAAAACCTCCT-3'
Protein context (NP_001098676.2, residues 1268-1288): PNGLLFYYAS[Gly1278=]SDVFSISLDN